The following is an entry in ClinVar:

NM_017837.4(PIGV):c.1339C>T (p.Gln447Ter)

Gene: PIGV (phosphatidylinositol glycan anchor biosynthesis class V; plus strand). Cytogenetic location: 1p36.11.
Variant type: single nucleotide variant.
Coding change: c.1339C>T on transcript NM_017837.4 (MANE Select); coding-DNA position 1339, C replaced by T.
Protein change: p.Gln447Ter; replaces glutamine 447 with a stop codon.
Molecular consequence: nonsense. On other transcripts: non-coding transcript variant (2).
Genome position (GRCh38, 1-based): chr1:26,797,701, C>T. VCF-style: chr1-26797701-C-T. GRCh37 (hg19) VCF-style: chr1-27124192-C-T.
Other names: c.1339C>T, p.Gln447Ter (NM_001374480.1, NM_001374481.1, NM_001374482.1 and 2 more transcripts); c.958C>T, p.Gln320Ter (NM_001374483.1); c.712C>T, p.Gln238Ter (NM_001374484.1, NM_001374485.1); c.217C>T, p.Gln73Ter (NM_001374486.1); short protein forms Q238*, Q320*, Q447*, Q73*.
Identifiers: ClinVar variation 4881619 (VCV004881619.2).

ClinVar aggregate classification (germline): Likely pathogenic (1 of 4 stars; one submission).

Submission:

Dasa
Classification: Likely pathogenic. Last evaluated: 2025-11-28. Review status: criteria provided, single submitter. Criteria: DASA Assertion Criteria. Collection method: clinical testing. Allele origin: germline.
Comment: NM_017837.4(PIGV):c.1339C>T (p.Gln447*) is a nonsense variant in PIGV predicted to introduce a premature termination codon and is predicted to result in an absent or altered protein product. Loss of function is an established disease mechanism for PIGV-associated disorders. Also, this variant is absent from population databases. Based on the currently available evidence, this variant is classified as likely pathogenic.